The following is an entry in ClinVar:

NM_032242.4(PLXNA1):c.3183-19C>G

Gene: PLXNA1 (plexin A1; plus strand). Cytogenetic location: 3q21.3.
Variant type: single nucleotide variant.
Coding change: c.3183-19C>G on transcript NM_032242.4 (MANE Select); 19 bases into the intron before coding-DNA position 3183, C replaced by G.
Molecular consequence: intron variant.
Genome position (GRCh38, 1-based): chr3:127,016,925, C>G. VCF-style: chr3-127016925-C-G. GRCh37 (hg19) VCF-style: chr3-126735768-C-G.
Identifiers: ClinVar variation 3775827 (VCV003775827.1).

ClinVar aggregate classification (germline): Uncertain significance (1 of 4 stars; one submission).

Conditions:
Dworschak-Punetha neurodevelopmental syndrome (DWOPNED). Identifiers: MedGen C5677017, MONDO:0859260, OMIM 619955.

Submission:

3billion
Classification: Uncertain significance for Dworschak-Punetha neurodevelopmental syndrome. Last evaluated: 2023-09-06. Review status: criteria provided, single submitter. Criteria: ACMG Guidelines, 2015. Collection method: clinical testing. Allele origin: germline. Affected: yes.
Comment: The variant is not observed in the gnomAD v2.1.1 dataset. Predicted Consequence/Location: Intron variant Intronic variant predicted in silico to alter splicing and result in a premature termination. However, the prediction score(Splice AI :0.15) is not significant and therefore functional studies should be performed to observe the exact consequence. Therefore, this variant is classified as VUS according to the recommendation of ACMG/AMP guideline.